The following is an entry in ClinVar:

NM_001302371.3(NBPF10):c.8271C>G (p.Pro2757=)

Gene: NBPF10 (NBPF member 10; minus strand). Cytogenetic location: 1q21.1.
Variant type: single nucleotide variant.
Coding change: c.8271C>G on transcript NM_001302371.3 (MANE Select); coding-DNA position 8271, C replaced by G.
Protein change: p.Pro2757=; no amino-acid change (proline 2757 retained).
Molecular consequence: synonymous variant.
Genome position (GRCh38, 1-based): chr1:146,085,402, G>C on the plus strand (C>G on the coding strand, the complement: NBPF10 is on the minus strand). VCF-style: chr1-146085402-G-C. GRCh37 (hg19) VCF-style: chr1-145352796-C-G.
Other names: c.8271C>G, p.Pro2757= (NM_001039703.6).
Identifiers: ClinVar variation 3778131 (VCV003778131.7).
Genomic context (GRCh38, chr1:146,085,402, plus strand): 5'-TCCCACGTCAAGAGAAAAGCCAACATGTTTTTCCTCCAATGCATAAAAGGAACTTCCATA[G>C]GGCTGGCAGGAGTCAGGCTGTTCAAGACAACTGGAAGGAGTTGAATAACATCTATCCAGT-3'
Protein context (NP_001289300.1, residues 2747-2767): SCLEQPDSCQ[Pro2757=]YGSSFYALEE

ClinVar aggregate classification (germline): Likely benign (1 of 4 stars; one submission).

Submission:

CeGaT Center for Human Genetics Tuebingen
Classification: Likely benign. Last evaluated: 2026-04-01. Review status: criteria provided, single submitter. Criteria: CeGaT Center For Human Genetics Tuebingen Variant Classification Criteria Version 2. Collection method: clinical testing. Allele origin: germline. Affected: yes. Observed: 2 variant alleles.
Comment: NBPF10: BP4, BP7